The following is an entry in ClinVar:

NM_018475.5(TMEM165):c.772A>G (p.Ile258Val)

Gene: TMEM165 (transmembrane protein 165; plus strand). Cytogenetic location: 4q12.
Variant type: single nucleotide variant.
Coding change: c.772A>G on transcript NM_018475.5 (MANE Select); coding-DNA position 772, A replaced by G.
Protein change: p.Ile258Val; replaces isoleucine 258 with valine.
Molecular consequence: missense variant. On other transcripts: non-coding transcript variant (1).
Genome position (GRCh38, 1-based): chr4:55,417,965, A>G. VCF-style: chr4-55417965-A-G. GRCh37 (hg19) VCF-style: chr4-56284132-A-G.
Other names: short protein forms I258V.
Identifiers: ClinVar variation 2415992 (VCV002415992.3), dbSNP rs376381642, ClinGen allele CA2925578.

ClinVar aggregate classification (germline): Uncertain significance (1 of 4 stars; one submission).

Conditions:
TMEM165-congenital disorder of glycosylation. Also called: CDG IIk; TMEM165-CDG; Congenital disorder of glycosylation type 2k. Identifiers: Orphanet 314667, MedGen C3553571, MONDO:0013870, OMIM 614727.

Allele frequency attached by ClinVar (database versions not stated): gnomAD exomes 0.00003; ExAC 0.00004; TOPMed 0.00010; gnomAD 0.00013; ESP Exome Variant Server 0.00015.
gnomAD v4.1: 58 of 1,610,668 alleles (0.0036%); highest among the groups gnomAD compares: African/African-American, 0.029%; no homozygotes.

Submission:

Labcorp Genetics (formerly Invitae), Labcorp
Classification: Uncertain significance for TMEM165-congenital disorder of glycosylation. Last evaluated: 2022-09-07. Review status: criteria provided, single submitter. Criteria: Invitae Variant Classification Sherloc (09022015). Collection method: clinical testing. Allele origin: germline.
Comment: This sequence change replaces isoleucine, which is neutral and non-polar, with valine, which is neutral and non-polar, at codon 258 of the TMEM165 protein (p.Ile258Val). This variant is present in population databases (rs376381642, gnomAD 0.02%). This variant has not been reported in the literature in individuals affected with TMEM165-related conditions. Algorithms developed to predict the effect of missense changes on protein structure and function are either unavailable or do not agree on the potential impact of this missense change (SIFT: "Deleterious"; PolyPhen-2: "Possibly Damaging"; Align-GVGD: "Class C0"). Algorithms developed to predict the effect of sequence changes on RNA splicing suggest that this variant may create or strengthen a splice site. In summary, the available evidence is currently insufficient to determine the role of this variant in disease. Therefore, it has been classified as a Variant of Uncertain Significance.